The following is an entry in ClinVar:

NM_000018.4(ACADVL):c.475del (p.Gln159fs)

Gene: ACADVL (acyl-CoA dehydrogenase very long chain; plus strand). Cytogenetic location: 17p13.1.
Variant type: Deletion.
Coding change: c.475del on transcript NM_000018.4 (MANE Select); coding-DNA position 475, one base deleted (C; older notation c.475delC).
Protein change: p.Gln159fs; shifts the reading frame from glutamine 159.
Molecular consequence: frameshift variant.
Genome position (GRCh38, 1-based): chr17:7,221,056, C deleted; the last of 3 consecutive C bases (chr17:7,221,054-7,221,056); deleting any one gives the same sequence. VCF-style (leftmost placement, unchanged base first): chr17-7221053-AC-A. GRCh37 (hg19) VCF-style: chr17-7124372-AC-A.
Other names: c.409del, p.Gln137fs (NM_001033859.3); c.544del, p.Gln182fs (NM_001270447.2); c.247del, p.Gln83fs (NM_001270448.2); short protein forms Q137fs, Q159fs, Q182fs, Q83fs.
Identifiers: ClinVar variation 1725089 (VCV001725089.2), dbSNP rs2508265880, ClinGen allele CA2580094782.

ClinVar aggregate classification (germline): Likely pathogenic (1 of 4 stars; one submission).

Conditions:
Very long chain acyl-CoA dehydrogenase deficiency (ACADVLD). Also called: Very Long-Chain Acyl-Coenzyme A Dehydrogenase Deficiency; VLCAD Deficiency. Identifiers: Orphanet 26793, MedGen C3887523, MONDO:0008723, OMIM 201475.

Submission:

Myriad Genetics, Inc.
Classification: Likely pathogenic for Very long chain acyl-CoA dehydrogenase deficiency. Last evaluated: 2022-03-08. Review status: criteria provided, single submitter. Criteria: Myriad Women's Health Autosomal Recessive and X-Linked Classification Criteria (2021). Collection method: clinical testing. Allele origin: unknown.
Comment: NM_000018.3(ACADVL):c.475delC(Q159Sfs*58) is expected to be pathogenic in the context of very-long-chain acyl-CoA dehydrogenase deficiency. This variant is predicted to lead to an abnormal or absent protein product due to the creation of a premature termination codon in ACADVL, a gene where loss-of-function variants are known to be pathogenic. Please note: this variant was assessed in the context of healthy population screening.